The following is an entry in ClinVar:

ClinVar aggregate classification (germline): Uncertain significance (1 of 4 stars; one submission).

Conditions:
D-2-hydroxyglutaric aciduria 1 (D2HGA1). Identifiers: Orphanet 79315, MedGen C3152055, MONDO:0024554, OMIM 600721.

Submission:

Labcorp Genetics (formerly Invitae), Labcorp
Classification: Uncertain significance for D-2-hydroxyglutaric aciduria 1. Last evaluated: 2022-07-25. Review status: criteria provided, single submitter. Criteria: Invitae Variant Classification Sherloc (09022015). Collection method: clinical testing. Allele origin: germline.
Comment: This sequence change replaces leucine, which is neutral and non-polar, with valine, which is neutral and non-polar, at codon 192 of the D2HGDH protein (p.Leu192Val). This variant is not present in population databases (gnomAD no frequency). This variant has not been reported in the literature in individuals affected with D2HGDH-related conditions. ClinVar contains an entry for this variant (Variation ID: 1413565). Algorithms developed to predict the effect of missense changes on protein structure and function (SIFT, PolyPhen-2, Align-GVGD) all suggest that this variant is likely to be disruptive. Algorithms developed to predict the effect of sequence changes on RNA splicing suggest that this variant may create or strengthen a splice site. In summary, the available evidence is currently insufficient to determine the role of this variant in disease. Therefore, it has been classified as a Variant of Uncertain Significance.

NM_152783.5(D2HGDH):c.574T>G (p.Leu192Val)

Gene: D2HGDH (D-2-hydroxyglutarate dehydrogenase; plus strand). Cytogenetic location: 2q37.3.
Variant type: single nucleotide variant.
Coding change: c.574T>G on transcript NM_152783.5 (MANE Select); coding-DNA position 574, T replaced by G.
Protein change: p.Leu192Val; replaces leucine 192 with valine.
Molecular consequence: missense variant. On other transcripts: non-coding transcript variant (1).
Genome position (GRCh38, 1-based): chr2:241,743,705, T>G. VCF-style: chr2-241743705-T-G. GRCh37 (hg19) VCF-style: chr2-242683120-T-G.
Other names: c.172T>G, p.Leu58Val (NM_001287249.2); c.13T>G, p.Leu5Val (NM_001352824.2); short protein forms L5V, L192V, L58V.
Identifiers: ClinVar variation 1413565 (VCV001413565.6), dbSNP rs2125080715, ClinGen allele CA351406639.
Genomic context (GRCh38, chr2:241,743,705, plus strand): 5'-TGCGTCCTGGAGGAGCTGAGCCGGTATGTGGAGGAACGGGACTTCATCATGCCGCTGGAC[T>G]TAGGAGCCAAGGGCAGCTGCCACATCGGGGGAAACGTGGCAACCAACGCTGGAGGCCTGC-3'
Protein context (NP_689996.4, residues 182-202): EERDFIMPLD[Leu192Val]GAKGSCHIGG